The following is an entry in ClinVar:

NM_015057.5(MYCBP2):c.1521T>G (p.His507Gln)

Gene: MYCBP2 (MYC binding protein 2; minus strand). Cytogenetic location: 13q22.3.
Variant type: single nucleotide variant.
Coding change: c.1521T>G on transcript NM_015057.5 (MANE Select); coding-DNA position 1521, T replaced by G.
Protein change: p.His507Gln; replaces histidine 507 with glutamine.
Molecular consequence: missense variant.
Genome position (GRCh38, 1-based): chr13:77,263,700, A>C on the plus strand (T>G on the coding strand, the complement: MYCBP2 is on the minus strand). VCF-style: chr13-77263700-A-C. GRCh37 (hg19) VCF-style: chr13-77837835-A-C.
Other names: short protein forms H507Q.
Identifiers: ClinVar variation 4686838 (VCV004686838.1).

ClinVar aggregate classification (germline): Uncertain significance (1 of 4 stars; one submission).

Submission:

GeneDx
Classification: Uncertain significance. Last evaluated: 2025-07-25. Review status: criteria provided, single submitter. Criteria: GeneDx Variant Classification Process June 2021. Collection method: clinical testing. Allele origin: germline. Affected: yes.
Comment: Not observed at significant frequency in large population cohorts (gnomAD); In silico analysis suggests that this missense variant does not alter protein structure/function; Has not been previously published as pathogenic or benign to our knowledge